The following is an entry in ClinVar:

ClinVar aggregate classification (germline): Uncertain significance (1 of 4 stars; one submission).

Allele frequency attached by ClinVar (database versions not stated): TOPMed below 0.00001; gnomAD 0.00001.
gnomAD v4.1: 2 of 1,613,700 alleles (0.00012%); highest among the groups gnomAD compares: African/African-American, 0.0027%; no homozygotes.

Submission:

Labcorp Genetics (formerly Invitae), Labcorp
Classification: Uncertain significance. Last evaluated: 2022-06-15. Review status: criteria provided, single submitter. Criteria: Invitae Variant Classification Sherloc (09022015). Collection method: clinical testing. Allele origin: germline.
Comment: In summary, the available evidence is currently insufficient to determine the role of this variant in disease. Therefore, it has been classified as a Variant of Uncertain Significance. Algorithms developed to predict the effect of missense changes on protein structure and function are either unavailable or do not agree on the potential impact of this missense change (SIFT: "Tolerated"; PolyPhen-2: "Probably Damaging"; Align-GVGD: "Class C0"). This variant has not been reported in the literature in individuals affected with MYLK3-related conditions. This variant is present in population databases (no rsID available, gnomAD 0.01%). This sequence change replaces leucine, which is neutral and non-polar, with valine, which is neutral and non-polar, at codon 635 of the MYLK3 protein (p.Leu635Val).

NM_182493.3(MYLK3):c.1903C>G (p.Leu635Val)

Gene: MYLK3 (myosin light chain kinase 3; minus strand). Cytogenetic location: 16q11.2.
Variant type: single nucleotide variant.
Coding change: c.1903C>G on transcript NM_182493.3 (MANE Select); coding-DNA position 1903, C replaced by G.
Protein change: p.Leu635Val; replaces leucine 635 with valine.
Molecular consequence: missense variant.
Genome position (GRCh38, 1-based): chr16:46,727,247, G>C on the plus strand (C>G on the coding strand, the complement: MYLK3 is on the minus strand). VCF-style: chr16-46727247-G-C. GRCh37 (hg19) VCF-style: chr16-46761159-G-C.
Other names: c.880C>G, p.Leu294Val (NM_001308301.1); short protein forms L294V, L635V.
Identifiers: ClinVar variation 2129940 (VCV002129940.4), dbSNP rs1292359679, ClinGen allele CA395789610.